The following is an entry in ClinVar:

NM_001098671.2(RASGRP2):c.1788G>A (p.Glu596=)

Gene: RASGRP2 (RAS guanyl releasing protein 2; minus strand). Cytogenetic location: 11q13.1.
Variant type: single nucleotide variant.
Coding change: c.1788G>A on transcript NM_001098671.2 (MANE Select); coding-DNA position 1788, G replaced by A.
Protein change: p.Glu596=; no amino-acid change (glutamic acid 596 retained).
Molecular consequence: synonymous variant.
Genome position (GRCh38, 1-based): chr11:64,727,344, C>T on the plus strand (G>A on the coding strand, the complement: RASGRP2 is on the minus strand). VCF-style: chr11-64727344-C-T. GRCh37 (hg19) VCF-style: chr11-64494816-C-T.
Other names: c.1788G>A, p.Glu596= (NM_001098670.2, NM_153819.2); c.1353G>A, p.Glu451= (NM_001318398.2).
Identifiers: ClinVar variation 594165 (VCV000594165.9), dbSNP rs372060305, ClinGen allele CA6078784.
Genomic context (GRCh38, chr11:64,727,344, plus strand): 5'-GGGAGGACTCACCATCTATTACAAGTGGATGTCAAACACCCCATCCTCCACCGTCTGTAC[C>T]TCCTCCTCACGGATCTCTGCTGGGAGGGGGATTGCTGCAGAACACACTTCCAGGTCCCTG-3'
Protein context (NP_001092141.1, residues 586-606): GSRPPEIREE[Glu596=]VQTVEDGVFD

ClinVar aggregate classification (germline): Conflicting classifications of pathogenicity. Review status: criteria provided, conflicting classifications (1 of 4 stars). 3 submissions from 3 submitters: Uncertain significance (1); Likely benign (2). Last evaluated 2025-03-17.

Conditions:
RASGRP2-related disorder. Also called: RASGRP2-related condition.

Allele frequency attached by ClinVar (database versions not stated): gnomAD exomes 0.00002 and 0.00003; ExAC 0.00003; gnomAD 0.00005; TOPMed 0.00007; ESP Exome Variant Server 0.00008.
gnomAD v4.1: 52 of 1,613,740 alleles (0.0032%); highest among the groups gnomAD compares: Non-Finnish European, 0.0044%; no homozygotes.

Submissions (3):

PreventionGenetics, part of Exact Sciences
Classification: Likely benign for RASGRP2-related condition. Last evaluated: 2025-03-17. Review status: criteria provided, single submitter. Criteria: ACMG Guidelines, 2015. Collection method: clinical testing. Allele origin: germline.
Comment: This variant is classified as likely benign based on ACMG/AMP sequence variant interpretation guidelines (Richards et al. 2015 PMID: 25741868, with internal and published modifications).

Labcorp Genetics (formerly Invitae), Labcorp
Classification: Likely benign. Last evaluated: 2023-02-23. Review status: criteria provided, single submitter. Criteria: Invitae Variant Classification Sherloc (09022015). Collection method: clinical testing. Allele origin: germline.

Eurofins Ntd Llc (ga)
Classification: Uncertain significance. Last evaluated: 2017-10-06. Review status: criteria provided, single submitter. Criteria: EGL Classification Definitions 2015. Collection method: clinical testing. Allele origin: germline. Observed: 1 variant allele, 1 heterozygote.